The following is an entry in ClinVar:

ClinVar aggregate classification (germline): Uncertain significance (1 of 4 stars; one submission).

Conditions:
Familial cancer of breast. Also called: Hereditary breast cancer; BREAST CANCER, FAMILIAL; hereditary breast carcinoma. Identifiers: Orphanet 227535, MedGen C0346153, MONDO:0016419, OMIM 114480. Disease mechanism: loss of function.

Submission:

Labcorp Genetics (formerly Invitae), Labcorp
Classification: Uncertain significance for Familial cancer of breast. Last evaluated: 2025-08-04. Review status: criteria provided, single submitter. Criteria: Invitae Variant Classification Sherloc (09022015). Collection method: clinical testing. Allele origin: germline.
Comment: This sequence change replaces proline, which is neutral and non-polar, with leucine, which is neutral and non-polar, at codon 191 of the PALB2 protein (p.Pro191Leu). This variant is not present in population databases (gnomAD no frequency). This variant has not been reported in the literature in individuals affected with PALB2-related conditions. ClinVar contains an entry for this variant (Variation ID: 1382968). An algorithm developed to predict the effect of missense changes on protein structure and function outputs the following: PolyPhen-2: "Benign". The leucine amino acid residue is found in multiple mammalian species, which suggests that this missense change does not adversely affect protein function. In summary, the available evidence is currently insufficient to determine the role of this variant in disease. Therefore, it has been classified as a Variant of Uncertain Significance.

NM_024675.4(PALB2):c.572C>T (p.Pro191Leu)

Gene: PALB2 (partner and localizer of BRCA2; minus strand). Cytogenetic location: 16p12.2.
Variant type: single nucleotide variant.
Coding change: c.572C>T on transcript NM_024675.4 (MANE Select); coding-DNA position 572, C replaced by T.
Protein change: p.Pro191Leu; replaces proline 191 with leucine.
Molecular consequence: missense variant.
Genome position (GRCh38, 1-based): chr16:23,635,974, G>A on the plus strand (C>T on the coding strand, the complement: PALB2 is on the minus strand). VCF-style: chr16-23635974-G-A. GRCh37 (hg19) VCF-style: chr16-23647295-G-A.
Other names: short protein forms P191L.
Identifiers: ClinVar variation 1382968 (VCV001382968.7), dbSNP rs1001733949, ClinGen allele CA279499746.
Genomic context (GRCh38, chr16:23,635,974, plus strand): 5'-TCTGGAGAATCTGGAAGTTCAGATTTAAGACTTAAAAGGTGAGTTCTTATTTCAGTTACT[G>A]GTGATCTAGCAGGATTTTTGCTACTGATTTCTTCCTGTTCCTTTAGTCTTTTCCCAGACA-3'
Protein context (NP_078951.2, residues 181-201): EISSKNPARS[Pro191Leu]VTEIRTHLLS